The following is an entry in ClinVar:

ClinVar aggregate classification (germline): Uncertain significance (1 of 4 stars; one submission).

Submission:

Labcorp Genetics (formerly Invitae), Labcorp
Classification: Uncertain significance. Last evaluated: 2025-04-07. Review status: criteria provided, single submitter. Criteria: Invitae Variant Classification Sherloc (09022015). Collection method: clinical testing. Allele origin: germline.
Comment: This sequence change replaces proline, which is neutral and non-polar, with leucine, which is neutral and non-polar, at codon 798 of the SYNPO protein (p.Pro798Leu). The frequency data for this variant in the population databases is considered unreliable, as metrics indicate insufficient coverage at this position in the gnomAD database. This variant has not been reported in the literature in individuals affected with SYNPO-related conditions. An algorithm developed to predict the effect of missense changes on protein structure and function (PolyPhen-2) suggests that this variant is likely to be disruptive. In summary, the available evidence is currently insufficient to determine the role of this variant in disease. Therefore, it has been classified as a Variant of Uncertain Significance.

NM_007286.6(SYNPO):c.2393C>T (p.Pro798Leu)

Genes: SYNPO (synaptopodin; plus strand), LOC129995011 (ATAC-STARR-seq lymphoblastoid silent region 16516; plus strand). Cytogenetic location: 5q33.1.
Variant type: single nucleotide variant.
Coding change: c.2393C>T on transcript NM_007286.6 (MANE Select); coding-DNA position 2393, C replaced by T.
Protein change: p.Pro798Leu; replaces proline 798 with leucine.
Molecular consequence: missense variant.
Genome position (GRCh38, 1-based): chr5:150,656,768, C>T. VCF-style: chr5-150656768-C-T. GRCh37 (hg19) VCF-style: chr5-150036330-C-T.
Other names: short protein forms P798L.
Identifiers: ClinVar variation 4779475 (VCV004779475.1).